The following is an entry in ClinVar:

ClinVar aggregate classification (germline): Pathogenic/Likely pathogenic. Review status: criteria provided, multiple submitters, no conflicts (2 of 4 stars). 3 submissions from 3 submitters: Pathogenic (1); Likely pathogenic (2). Last evaluated 2022-06-14.

Conditions:
ABCA4-related disorder. Also called: ABCA4-related disorders; ABCA4-related condition. Identifiers: MedGen CN239167.

Allele frequency attached by ClinVar (database versions not stated): gnomAD exomes 0.00001; ExAC 0.00002.
gnomAD v4.1: 4 of 1,612,444 alleles (0.00025%); highest among the groups gnomAD compares: Admixed American, 0.0033%; no homozygotes.

Submissions (3):

Labcorp Genetics (formerly Invitae), Labcorp
Classification: Pathogenic. Last evaluated: 2022-06-14. Review status: criteria provided, single submitter. Criteria: Invitae Variant Classification Sherloc (09022015). Collection method: clinical testing. Allele origin: germline.
Comment: ClinVar contains an entry for this variant (Variation ID: 1212473). For these reasons, this variant has been classified as Pathogenic. This variant disrupts the p.Gln1713 amino acid residue in ABCA4. Other variant(s) that disrupt this residue have been determined to be pathogenic (PMID: 28118664; Invitae). This suggests that this residue is clinically significant, and that variants that disrupt this residue are likely to be disease-causing. Advanced modeling of protein sequence and biophysical properties (such as structural, functional, and spatial information, amino acid conservation, physicochemical variation, residue mobility, and thermodynamic stability) performed at Invitae indicates that this missense variant is expected to disrupt ABCA4 protein function. This missense change has been observed in individual(s) with ABCA4-related conditions (PMID: 21911583, 29178665). This variant is present in population databases (rs755826006, gnomAD 0.006%). This sequence change replaces glutamine, which is neutral and polar, with arginine, which is basic and polar, at codon 1713 of the ABCA4 protein (p.Gln1713Arg).

Blueprint Genetics
Classification: Likely pathogenic for ABCA4-related disorders. Last evaluated: 2019-12-19. Review status: criteria provided, single submitter. Criteria: ACMG Guidelines, 2015. Collection method: clinical testing. Allele origin: germline. Affected: yes. Observed: 2 variant alleles.

GeneDx
Classification: Likely pathogenic. Last evaluated: 2019-09-17. Review status: criteria provided, single submitter. Criteria: GeneDx Variant Classification Process June 2021. Collection method: clinical testing. Allele origin: germline. Affected: yes.
Comment: In silico analysis, which includes protein predictors and evolutionary conservation, supports a deleterious effect; This variant is associated with the following publications: (PMID: 29178665, 28005406, 21911583)

Literature cited by the submitters: PubMed 28118664 (cited by Labcorp Genetics (formerly Invitae), Labcorp); PubMed 21911583 (cited by Labcorp Genetics (formerly Invitae), Labcorp); PubMed 29178665 (cited by Labcorp Genetics (formerly Invitae), Labcorp).

NM_000350.3(ABCA4):c.5138A>G (p.Gln1713Arg)

Gene: ABCA4 (ATP binding cassette subfamily A member 4; minus strand). Cytogenetic location: 1p22.1.
Variant type: single nucleotide variant.
Coding change: c.5138A>G on transcript NM_000350.3 (MANE Select); coding-DNA position 5138, A replaced by G.
Protein change: p.Gln1713Arg; replaces glutamine 1713 with arginine.
Molecular consequence: missense variant.
Genome position (GRCh38, 1-based): chr1:94,019,640, T>C on the plus strand (A>G on the coding strand, the complement: ABCA4 is on the minus strand). VCF-style: chr1-94019640-T-C. GRCh37 (hg19) VCF-style: chr1-94485196-T-C.
Other names: c.4916A>G, p.Gln1639Arg (NM_001425324.1); short protein forms Q1713R, Q1639R.
Identifiers: ClinVar variation 1212473 (VCV001212473.9), dbSNP rs755826006, ClinGen allele CA957370.